The following is an entry in ClinVar:

ClinVar aggregate classification (germline): Conflicting classifications of pathogenicity. Review status: criteria provided, conflicting classifications (1 of 4 stars). 3 submissions from 3 submitters: Likely pathogenic (1); Uncertain significance (2). Last evaluated 2025-07-30.

Conditions:
Meckel-Gruber syndrome. Also called: DYSENCEPHALIA SPLANCHNOCYSTICA; GRUBER SYNDROME; Dysencephalia splachnocystica. Identifiers: Orphanet 564, MedGen C0265215, MONDO:0018921.
Joubert syndrome. Also called: JOUBERT-BOLTSHAUSER SYNDROME; Familial aplasia of the vermis. Identifiers: Orphanet 475, MedGen C5979921, MONDO:0018772.
TMEM67-related disorder. Also called: TMEM67-related disorders; TMEM67-related condition. Identifiers: MedGen CN239423.

Submissions (3):

PreventionGenetics, part of Exact Sciences
Classification: Likely pathogenic for TMEM67-related condition. Last evaluated: 2025-07-30. Review status: criteria provided, single submitter. Criteria: ACMG Guidelines, 2015. Collection method: clinical testing. Allele origin: germline.
Comment: The TMEM67 c.154_156delAAC variant is predicted to result in an in-frame deletion (p.Asn52del). This variant has been reported in the compound heterozygous state in a fetus with features consistent with Meckel-Gruber syndrome (Boissel et al. 2018. PubMed ID: 29261186). At PreventionGenetics the c.154_156del variant was observed in three affected individuals. One of these individuals also carried another variant of uncertain significance in TMEM67; the other two were homozygous for the variant which was inherited from each parent. This variant is reported in 0.00088% of alleles in individuals of European (Non-Finnish) descent in gnomAD. Based on these observations, we classify this variant as likely pathogenic.

Labcorp Genetics (formerly Invitae), Labcorp
Classification: Uncertain significance for Joubert syndrome; Meckel-Gruber syndrome. Last evaluated: 2024-06-03. Review status: criteria provided, single submitter. Criteria: Invitae Variant Classification Sherloc (09022015). Collection method: clinical testing. Allele origin: germline.
Comment: This variant, c.154_156del, results in the deletion of 1 amino acid(s) of the TMEM67 protein (p.Asn52del), but otherwise preserves the integrity of the reading frame. This variant is present in population databases (rs755801680, gnomAD 0.0009%). This variant has been observed in individual(s) with clinical features of TMEM67-related conditions (PMID: 29261186). Experimental studies and prediction algorithms are not available or were not evaluated, and the functional significance of this variant is currently unknown. In summary, the available evidence is currently insufficient to determine the role of this variant in disease. Therefore, it has been classified as a Variant of Uncertain Significance.

Blueprint Genetics
Classification: Uncertain significance. Last evaluated: 2021-04-08. Review status: criteria provided, single submitter. Criteria: ACMG Guidelines, 2015. Collection method: clinical testing. Allele origin: germline.

Literature cited by the submitters: PubMed 29261186 (cited by Labcorp Genetics (formerly Invitae), Labcorp).

NM_153704.6(TMEM67):c.151AAC[1] (p.Asn52del)

Gene: TMEM67 (transmembrane protein 67; plus strand). Cytogenetic location: 8q22.1.
Variant type: Microsatellite.
Coding change: c.151AAC[1] on transcript NM_153704.6 (MANE Select); one copy of the 3-base unit AAC starting at c.151; the reference has two copies in a row; one copy, 3 bases deleted.
Protein change: p.Asn52del; deletes asparagine 52.
Molecular consequence: inframe deletion. On other transcripts: 5 prime UTR variant (1), inframe indel (1), non-coding transcript variant (1).
Genome position (GRCh38, 1-based): chr8:93,755,068-93,755,070, AAC deleted; deleting any 3 consecutive bases within chr8:93,755,063-93,755,070 gives the same sequence; the position shown is the placement nearest the transcript's 3' end. VCF-style (leftmost placement, unchanged base first): chr8-93755062-GACA-G. GRCh37 (hg19) VCF-style: chr8-94767290-GACA-G.
Other names: c.-134AAC[1] (NM_001142301.1); c.151_153AAC[1], p.Asn52del (NM_153704.5); c.154_156delAAC (NM_153704.5); short protein forms N52del.
Identifiers: ClinVar variation 2177861 (VCV002177861.5), dbSNP rs755801680, ClinGen allele CA4807524.
Genomic context (GRCh38, chr8:93,755,062, plus strand): 5'-CTCCCTCGCTTCTTACAGGCCCAGACCTTCTCTTTCCCTTTCCAGCAGCCGGAGAAGTGC[GACA>G]ACAACCAGTACTTTGATATCTCCGCCCTCTCGTGTGTTCCTTGTGGAGCTAACCAGAGGC-3'